The following is an entry in ClinVar:

ClinVar aggregate classification (germline): Conflicting classifications of pathogenicity. Review status: criteria provided, conflicting classifications (1 of 4 stars). 3 submissions from 3 submitters: Uncertain significance (1); Benign (1); Likely benign (1). Last evaluated 2024-12-19.

Conditions:
FGFR3-related disorder. Also called: FGFR3-related disorders.

Allele frequency attached by ClinVar (database versions not stated): gnomAD exomes 0.00005 and 0.00010; TOPMed 0.00005; gnomAD 0.00007; ESP Exome Variant Server 0.00008; ExAC 0.00009.

Submissions (3):

Labcorp Genetics (formerly Invitae), Labcorp
Classification: Benign. Last evaluated: 2024-12-19. Review status: criteria provided, single submitter. Criteria: Invitae Variant Classification Sherloc (09022015). Collection method: clinical testing. Allele origin: germline.

PreventionGenetics, part of Exact Sciences
Classification: Likely benign for FGFR3-related condition. Last evaluated: 2024-12-05. Review status: criteria provided, single submitter. Criteria: ACMG Guidelines, 2015. Collection method: clinical testing. Allele origin: germline.
Comment: This variant is classified as likely benign based on ACMG/AMP sequence variant interpretation guidelines (Richards et al. 2015 PMID: 25741868, with internal and published modifications).

GeneDx
Classification: Uncertain significance. Last evaluated: 2022-12-06. Review status: criteria provided, single submitter. Criteria: GeneDx Variant Classification Process June 2021. Collection method: clinical testing. Allele origin: germline. Affected: yes.
Comment: In silico analysis supports that this variant does not alter splicing; Has not been previously published as pathogenic or benign to our knowledge

NM_000142.5(FGFR3):c.639G>A (p.Leu213=)

Gene: FGFR3 (fibroblast growth factor receptor 3; plus strand). Cytogenetic location: 4p16.3.
Variant type: single nucleotide variant.
Coding change: c.639G>A on transcript NM_000142.5 (MANE Select); coding-DNA position 639, G replaced by A.
Protein change: p.Leu213=; no amino-acid change (leucine 213 retained).
Molecular consequence: synonymous variant. On other transcripts: non-coding transcript variant (1).
Genome position (GRCh38, 1-based): chr4:1,801,643, G>A. VCF-style: chr4-1801643-G-A. GRCh37 (hg19) VCF-style: chr4-1803370-G-A.
Other names: c.639G>A, p.Leu213= (NM_001163213.2, NM_001354809.2, NM_001354810.2 and 1 more transcripts); c.639G>A (NM_000142.4).
Identifiers: ClinVar variation 1680019 (VCV001680019.10), dbSNP rs138707520, ClinGen allele CA2809908.